The following is an entry in ClinVar:

NM_004821.3(HAND1):c.118C>A (p.Pro40Thr)

Gene: HAND1 (heart and neural crest derivatives expressed 1; minus strand). Cytogenetic location: 5q33.2.
Variant type: single nucleotide variant.
Coding change: c.118C>A on transcript NM_004821.3 (MANE Select); coding-DNA position 118, C replaced by A.
Protein change: p.Pro40Thr; replaces proline 40 with threonine.
Molecular consequence: missense variant.
Genome position (GRCh38, 1-based): chr5:154,477,891, G>T on the plus strand (C>A on the coding strand, the complement: HAND1 is on the minus strand). VCF-style: chr5-154477891-G-T. GRCh37 (hg19) VCF-style: chr5-153857451-G-T.
Other names: short protein forms P40T.
Identifiers: ClinVar variation 2060146 (VCV002060146.1), dbSNP rs1757574498, ClinGen allele CA361923568.
Genomic context (GRCh38, chr5:154,477,891, plus strand): 5'-CGCCCGCAGGGAAGTCCGGGGCAGCGTCAGCCGGGCTCAGCAGCCAGCTCTGGAAGTAGG[G>T]CCTTTCCTGATGACAGCGCGAGGCCGGACCGAAGAGGAAGGGTTCGTGGAGCATGGGGTG-3'
Protein context (NP_004812.1, residues 30-50): GPASRCHQER[Pro40Thr]YFQSWLLSPA

ClinVar aggregate classification (germline): Uncertain significance (1 of 4 stars; one submission).

Conditions:
Hypoplastic left heart syndrome. Also called: Hypoplastic left heart; Hypoplastic left ventricle. Identifiers: Orphanet 2248, MedGen C0152101, MONDO:0004933, HP:0004383.

Submission:

Labcorp Genetics (formerly Invitae), Labcorp
Classification: Uncertain significance for Hypoplastic left heart syndrome. Last evaluated: 2022-02-27. Review status: criteria provided, single submitter. Criteria: Invitae Variant Classification Sherloc (09022015). Collection method: clinical testing. Allele origin: germline.
Comment: This sequence change replaces proline, which is neutral and non-polar, with threonine, which is neutral and polar, at codon 40 of the HAND1 protein (p.Pro40Thr). This variant is not present in population databases (gnomAD no frequency). This variant has not been reported in the literature in individuals affected with HAND1-related conditions. Algorithms developed to predict the effect of missense changes on protein structure and function (SIFT, PolyPhen-2, Align-GVGD) all suggest that this variant is likely to be tolerated. In summary, the available evidence is currently insufficient to determine the role of this variant in disease. Therefore, it has been classified as a Variant of Uncertain Significance.